The following is an entry in ClinVar:

ClinVar aggregate classification (germline): Benign/Likely benign. Review status: criteria provided, multiple submitters, no conflicts (2 of 4 stars). 5 submissions from 5 submitters: Benign (3); Likely benign (1). 1 of the submissions does not count toward it. Last evaluated 2026-02-04.

Conditions:
Peroxisome biogenesis disorder 10A (Zellweger). Also called: Peroxisome biogenesis disorder 10A. Identifiers: Orphanet 912, MedGen C3553999, MONDO:0013948, OMIM 614882.

Allele frequency attached by ClinVar (database versions not stated): ESP Exome Variant Server 0.00515; gnomAD exomes 0.00866 and 0.03064; gnomAD 0.01440 and 0.01582; TOPMed 0.02386; ExAC 0.02459; 1000 Genomes Project 0.03195; 1000 Genomes Project 30x 0.03279.
gnomAD v4.1: 15,111 of 1,613,850 alleles (0.94%); highest among the groups gnomAD compares: Admixed American, 14%; 888 homozygotes.

Submissions (5):

Labcorp Genetics (formerly Invitae), Labcorp
Classification: Benign. Last evaluated: 2026-02-04. Review status: criteria provided, single submitter. Criteria: Invitae Variant Classification Sherloc (09022015). Collection method: clinical testing. Allele origin: germline.

Women's Health and Genetics/Laboratory Corporation of America, LabCorp
Classification: Likely benign. Last evaluated: 2024-09-09. Review status: criteria provided, single submitter. Criteria: LabCorp Variant Classification Summary - May 2015. Collection method: clinical testing. Allele origin: germline.

GeneDx
Classification: Benign. Last evaluated: 2018-10-17. Review status: criteria provided, single submitter. Criteria: GeneDx Variant Classification Process June 2021. Collection method: clinical testing. Allele origin: germline. Affected: yes.

Illumina Laboratory Services, Illumina
Classification: Benign for Peroxisome biogenesis disorder 10A (Zellweger). Last evaluated: 2018-01-12. Review status: criteria provided, single submitter. Criteria: ICSL Variant Classification Criteria 13 December 2019. Collection method: clinical testing. Allele origin: germline.
Comment: This variant was observed in the ICSL laboratory as part of a predisposition screen in an ostensibly healthy population. It had not been previously curated by ICSL or reported in the Human Gene Mutation Database (HGMD: prior to June 1st, 2018), and was therefore a candidate for classification through an automated scoring system. Utilizing variant allele frequency, disease prevalence and penetrance estimates, and inheritance mode, an automated score was calculated to assess if this variant is too frequent to cause the disease. Based on the score and internal cut-off values, a variant classified as benign is not then subjected to further curation. The score for this variant resulted in a classification of benign for this disease.

Mayo Clinic Laboratories, Mayo Clinic
Classification: Benign. Last evaluated: 2015-10-23. Review status: no assertion criteria provided. Collection method: clinical testing. Allele origin: unknown. Not counted in ClinVar's aggregate classification.

NM_003630.3(PEX3):c.245A>G (p.Gln82Arg)

Gene: PEX3 (peroxisomal biogenesis factor 3; plus strand). Cytogenetic location: 6q24.2.
Variant type: single nucleotide variant.
Coding change: c.245A>G on transcript NM_003630.3 (MANE Select); coding-DNA position 245, A replaced by G.
Protein change: p.Gln82Arg; replaces glutamine 82 with arginine.
Molecular consequence: missense variant.
Genome position (GRCh38, 1-based): chr6:143,462,955, A>G. VCF-style: chr6-143462955-A-G. GRCh37 (hg19) VCF-style: chr6-143784092-A-G.
Other names: short protein forms Q82R.
Identifiers: ClinVar variation 355575 (VCV000355575.19), dbSNP rs35220041, ClinGen allele CA4029509.
Genomic context (GRCh38, chr6:143,462,955, plus strand): 5'-TTTTTTTTGTTTGTATTACAGTGCTGTCCATGCTTCCAACACTGAGAGAGGCCTTAATGC[A>G]GCAACTGAATTCCGAGAGCCTCACAGCTCTGCTAAAAAACAGGTAAATGCAAGTTACAGC-3'
Protein context (NP_003621.1, residues 72-92): MLPTLREALM[Gln82Arg]QLNSESLTAL